The following is an entry in ClinVar:

ClinVar aggregate classification (germline): Pathogenic/Likely pathogenic. Review status: criteria provided, multiple submitters, no conflicts (2 of 4 stars). 2 submissions from 2 submitters: Pathogenic (1); Likely pathogenic (1). Last evaluated 2025-03-17.

Conditions:
Intellectual disability. Also called: intellectual disabilities; Intellectual developmental disorder; Intellectual functioning disability. Identifiers: MedGen C3714756, MeSH D008607, MONDO:0001071, HP:0001249.
Developmental and epileptic encephalopathy 94 (DEE94). Also called: CHD2-Related Neurodevelopmental Disorders; Epileptic encephalopathy, childhood-onset. Identifiers: Orphanet 1942, Orphanet 2382, MedGen C3809278, MONDO:0014150, OMIM 615369.

Submissions (2):

Labcorp Genetics (formerly Invitae), Labcorp
Classification: Pathogenic for Developmental and epileptic encephalopathy 94. Last evaluated: 2025-03-17. Review status: criteria provided, single submitter. Criteria: Invitae Variant Classification Sherloc (09022015). Collection method: clinical testing. Allele origin: germline.
Comment: This sequence change creates a premature translational stop signal (p.Asn1007*) in the CHD2 gene. It is expected to result in an absent or disrupted protein product. Loss-of-function variants in CHD2 are known to be pathogenic (PMID: 23708187, 24207121). This variant is not present in population databases (gnomAD no frequency). This variant has not been reported in the literature in individuals affected with CHD2-related conditions. ClinVar contains an entry for this variant (Variation ID: 981297). For these reasons, this variant has been classified as Pathogenic.

Diagnostic Laboratory, Strasbourg University Hospital
Classification: Likely pathogenic for Intellectual disability. Last evaluated: 2020-09-10. Review status: criteria provided, single submitter. Criteria: ACMG Guidelines, 2015. Collection method: clinical testing. Allele origin: de novo. Affected: yes. Observed: 1 heterozygote.

Literature cited by the submitters: PubMed 23708187 (cited by Labcorp Genetics (formerly Invitae), Labcorp); PubMed 24207121 (cited by Labcorp Genetics (formerly Invitae), Labcorp).

NM_001271.4(CHD2):c.3018_3019del (p.Glu1006_Asn1007insTer)

Genes: CHD2 (chromodomain helicase DNA binding protein 2; plus strand), LOC126862230 (P300/CBP strongly-dependent group 1 enhancer GRCh37_chr15:93523977-93525176; plus strand). Cytogenetic location: 15q26.1.
Variant type: Microsatellite.
Coding change: c.3018_3019del on transcript NM_001271.4 (MANE Select); coding-DNA positions 3018 to 3019, 2 bases deleted (GA; older notation c.3018_3019delGA).
Protein change: p.Glu1006_Asn1007insTer.
Molecular consequence: frameshift variant.
Genome position (GRCh38, 1-based): chr15:92,981,409-92,981,410, GA deleted; deleting any 2 consecutive bases within chr15:92,981,403-92,981,410 gives the same sequence; the c. name uses the placement nearest the transcript's 3' end. VCF-style (leftmost placement, unchanged base first): chr15-92981402-CGA-C. GRCh37 (hg19) VCF-style: chr15-93524632-CGA-C.
Identifiers: ClinVar variation 981297 (VCV000981297.4), dbSNP rs1064796496, ClinGen allele CA2196375219.
Genomic context (GRCh38, chr15:92,981,402, plus strand): 5'-CGTGTTGGCTTTTGTTCTTTTAGGAAATGGATATAGATGAAATTTTGCGGTTGGCTGAAA[CGA>C]GAGAGAATGAAGTGTCAACAAGTGCAACAGATGAACTTCTATCACAGTTTAAGGTATGAA-3'